The following is an entry in ClinVar:

ClinVar aggregate classification (germline): Uncertain significance (1 of 4 stars; one submission).

Submission:

Ambry Genetics
Classification: Uncertain significance. Last evaluated: 2026-04-25. Review status: criteria provided, single submitter. Criteria: Ambry Variant Classification Scheme 2023. Collection method: clinical testing. Allele origin: germline.
Comment: The p.P1089L variant (also known as c.3266C>T), located in coding exon 12 of the CDK12 gene, results from a C to T substitution at nucleotide position 3266. The proline at codon 1089 is replaced by leucine, an amino acid with similar properties. This amino acid position is conserved. In addition, this alteration is predicted to be tolerated by in silico analysis. Based on the available evidence, the clinical significance of this variant remains unclear.

NM_016507.4(CDK12):c.3266C>T (p.Pro1089Leu)

Gene: CDK12 (cyclin dependent kinase 12; plus strand). Cytogenetic location: 17q12.
Variant type: single nucleotide variant.
Coding change: c.3266C>T on transcript NM_016507.4 (MANE Select); coding-DNA position 3266, C replaced by T.
Protein change: p.Pro1089Leu; replaces proline 1089 with leucine.
Molecular consequence: missense variant.
Genome position (GRCh38, 1-based): chr17:39,524,844, C>T. VCF-style: chr17-39524844-C-T. GRCh37 (hg19) VCF-style: chr17-37681097-C-T.
Other names: c.3266C>T, p.Pro1089Leu (NM_015083.4); short protein forms P1089L.
Identifiers: ClinVar variation 4868507 (VCV004868507.1).